The following is an entry in ClinVar:

NM_004667.6(HERC2):c.3688G>A (p.Gly1230Arg)

Gene: HERC2 (HECT and RLD domain containing E3 ubiquitin protein ligase 2; minus strand). Cytogenetic location: 15q13.1.
Variant type: single nucleotide variant.
Coding change: c.3688G>A on transcript NM_004667.6 (MANE Select); coding-DNA position 3688, G replaced by A.
Protein change: p.Gly1230Arg; replaces glycine 1230 with arginine.
Molecular consequence: missense variant.
Genome position (GRCh38, 1-based): chr15:28,238,662, C>T on the plus strand (G>A on the coding strand, the complement: HERC2 is on the minus strand). VCF-style: chr15-28238662-C-T. GRCh37 (hg19) VCF-style: chr15-28483808-C-T.
Other names: short protein forms G1230R.
Identifiers: ClinVar variation 5042018 (VCV005042018.1).

ClinVar aggregate classification (germline): Uncertain significance (1 of 4 stars; one submission).

Conditions:
Developmental delay with autism spectrum disorder and gait instability (MRT38). Also called: Intellectual developmental disorder, autosomal recessive 38. Identifiers: Orphanet 329195, MedGen C3809753, MONDO:0014224, OMIM 615516.

gnomAD v4.1: 8 of 1,611,436 alleles (0.0005%); highest among the groups gnomAD compares: Non-Finnish European, 0.00059%; no homozygotes.

Submission:

Clinical Genetics Laboratory, University Hospital Schleswig-Holstein
Classification: Uncertain significance for Developmental delay with autism spectrum disorder and gait instability. Last evaluated: 2025-02-17. Review status: criteria provided, single submitter. Criteria: ACMG Guidelines, 2015. Collection method: clinical testing. Allele origin: germline. Affected: yes. Observed: 1 homozygote.
Comment: ACMG criteria applied: PM2, PP3, PM1_Supporting